The following is an entry in ClinVar:

ClinVar aggregate classification (germline): Uncertain significance (1 of 4 stars; one submission).

Conditions:
CHARGE syndrome (CHARGE). Also called: Hittner Hirsch Kreh syndrome; CHARGE ASSOCIATION--COLOBOMA, HEART ANOMALY, CHOANAL ATRESIA, RETARDATION, GENITAL AND EAR ANOMALIES; Coloboma, heart anomaly, choanal atresia, retardation, genital and ear anomalies; CHARGE association; Hall-Hittner syndrome. Identifiers: Orphanet 138, MedGen C0265354, MONDO:0008965.

Submission:

Labcorp Genetics (formerly Invitae), Labcorp
Classification: Uncertain significance for CHARGE syndrome. Last evaluated: 2025-01-21. Review status: criteria provided, single submitter. Criteria: Invitae Variant Classification Sherloc (09022015). Collection method: clinical testing. Allele origin: germline.
Comment: This sequence change replaces threonine, which is neutral and polar, with serine, which is neutral and polar, at codon 687 of the CHD7 protein (p.Thr687Ser). This variant is not present in population databases (gnomAD no frequency). This variant has not been reported in the literature in individuals affected with CHD7-related conditions. Invitae Evidence Modeling of protein sequence and biophysical properties (such as structural, functional, and spatial information, amino acid conservation, physicochemical variation, residue mobility, and thermodynamic stability) indicates that this missense variant is not expected to disrupt CHD7 protein function with a negative predictive value of 95%. In summary, the available evidence is currently insufficient to determine the role of this variant in disease. Therefore, it has been classified as a Variant of Uncertain Significance.

NM_017780.4(CHD7):c.2060C>G (p.Thr687Ser)

Genes: CHD7 (chromodomain helicase DNA binding protein 7; plus strand), LOC126860403 (CDK7 strongly-dependent group 2 enhancer GRCh37_chr8:61693034-61694233; plus strand). Cytogenetic location: 8q12.2.
Variant type: single nucleotide variant.
Coding change: c.2060C>G on transcript NM_017780.4 (MANE Select); coding-DNA position 2060, C replaced by G.
Protein change: p.Thr687Ser; replaces threonine 687 with serine.
Molecular consequence: missense variant. On other transcripts: intron variant (1).
Genome position (GRCh38, 1-based): chr8:60,781,394, C>G. VCF-style: chr8-60781394-C-G. GRCh37 (hg19) VCF-style: chr8-61693953-C-G.
Other names: c.1716+344C>G (NM_001316690.1); short protein forms T687S.
Identifiers: ClinVar variation 3672727 (VCV003672727.2).
Genomic context (GRCh38, chr8:60,781,394, plus strand): 5'-AACCCAAGACCCCGAAAGCCCCTAAGATTCCCAAAGAGCCAAAGGAAAAGAAAGCAAAAA[C>G]TGCCACGCCAAAACCCAAATCCAGCAAAAAGTCAAGGTAGGCTGTGGGCAGAAAAAACAA-3'
Protein context (NP_060250.2, residues 677-697): PKEPKEKKAK[Thr687Ser]ATPKPKSSKK